The following is an entry in ClinVar:

NM_020937.4(FANCM):c.4214C>G (p.Ser1405Cys)

Gene: FANCM (FA complementation group M; plus strand). Cytogenetic location: 14q21.2.
Variant type: single nucleotide variant.
Coding change: c.4214C>G on transcript NM_020937.4 (MANE Select); coding-DNA position 4214, C replaced by G.
Protein change: p.Ser1405Cys; replaces serine 1405 with cysteine.
Molecular consequence: missense variant.
Genome position (GRCh38, 1-based): chr14:45,176,968, C>G. VCF-style: chr14-45176968-C-G. GRCh37 (hg19) VCF-style: chr14-45646171-C-G.
Other names: c.4136C>G, p.Ser1379Cys (NM_001308133.2); short protein forms S1405C, S1379C.
Identifiers: ClinVar variation 4022628 (VCV004022628.1).

ClinVar aggregate classification (germline): Uncertain significance (1 of 4 stars; one submission).

Conditions:
Inborn genetic diseases. Identifiers: MedGen C0950123, MeSH D030342.

Submission:

Ambry Genetics
Classification: Uncertain significance for Inborn genetic diseases. Last evaluated: 2025-03-30. Review status: criteria provided, single submitter. Criteria: Ambry Variant Classification Scheme 2023. Collection method: clinical testing. Allele origin: germline.
Comment: The p.S1405C variant (also known as c.4214C>G), located in coding exon 14 of the FANCM gene, results from a C to G substitution at nucleotide position 4214. The serine at codon 1405 is replaced by cysteine, an amino acid with dissimilar properties. This amino acid position is conserved. In addition, this alteration is predicted to be tolerated by in silico analysis. Based on the available evidence, the clinical significance of this variant remains unclear.